The following is an entry in ClinVar:

ClinVar aggregate classification (germline): Uncertain significance (1 of 4 stars; one submission).

Submission:

GeneDx
Classification: Uncertain significance. Last evaluated: 2024-05-09. Review status: criteria provided, single submitter. Criteria: GeneDx Variant Classification Process June 2021. Collection method: clinical testing. Allele origin: germline. Affected: yes.
Comment: Not observed at significant frequency in large population cohorts (gnomAD); In silico analysis supports that this missense variant has a deleterious effect on protein structure/function; Has not been previously published as pathogenic or benign to our knowledge

NM_006922.4(SCN3A):c.2590T>A (p.Ser864Thr)

Gene: SCN3A (sodium voltage-gated channel alpha subunit 3; minus strand). Cytogenetic location: 2q24.3.
Variant type: single nucleotide variant.
Coding change: c.2590T>A on transcript NM_006922.4 (MANE Select); coding-DNA position 2590, T replaced by A.
Protein change: p.Ser864Thr; replaces serine 864 with threonine.
Molecular consequence: missense variant.
Genome position (GRCh38, 1-based): chr2:165,130,272, A>T on the plus strand (T>A on the coding strand, the complement: SCN3A is on the minus strand). VCF-style: chr2-165130272-A-T. GRCh37 (hg19) VCF-style: chr2-165986782-A-T.
Other names: c.2443T>A, p.Ser815Thr (NM_001081676.2, NM_001081677.2); short protein forms S815T, S864T.
Identifiers: ClinVar variation 3375494 (VCV003375494.1).